The following is an entry in ClinVar:

NM_021008.4(DEAF1):c.1456G>A (p.Ala486Thr)

Genes: DEAF1 (DEAF1 transcription factor; minus strand), LOC126861109 (BRD4-independent group 4 enhancer GRCh37_chr11:673917-675116; plus strand). Cytogenetic location: 11p15.5.
Variant type: single nucleotide variant.
Coding change: c.1456G>A on transcript NM_021008.4 (MANE Select); coding-DNA position 1456, G replaced by A.
Protein change: p.Ala486Thr; replaces alanine 486 with threonine.
Molecular consequence: missense variant.
Genome position (GRCh38, 1-based): chr11:674,583, C>T on the plus strand (G>A on the coding strand, the complement: DEAF1 is on the minus strand). VCF-style: chr11-674583-C-T. GRCh37 (hg19) VCF-style: chr11-674583-C-T.
Other names: c.1189G>A, p.Ala397Thr (NM_001293634.2); c.730G>A, p.Ala244Thr (NM_001367390.1); short protein forms A486T, A244T, A397T.
Identifiers: ClinVar variation 2182663 (VCV002182663.4), dbSNP rs778313819, ClinGen allele CA378923375.
Genomic context (GRCh38, chr11:674,583, plus strand): 5'-GTTCCAAGGTTACCTCCTTCCGCTCTGCGTCAGCGTGGATCTTGGCCTGGTTTGTGGCAG[C>T]TTCTCGGTAGGTGCTGGCATGCTTGGCTTGCTCAAACAGCGTCTTCAGCTGCTGCGCTGT-3'
Protein context (NP_066288.2, residues 476-496): QAKHASTYRE[Ala486Thr]ATNQAKIHAD

ClinVar aggregate classification (germline): Uncertain significance (1 of 4 stars; one submission).

Submission:

Labcorp Genetics (formerly Invitae), Labcorp
Classification: Uncertain significance. Last evaluated: 2022-08-19. Review status: criteria provided, single submitter. Criteria: Invitae Variant Classification Sherloc (09022015). Collection method: clinical testing. Allele origin: germline.
Comment: This sequence change replaces alanine, which is neutral and non-polar, with threonine, which is neutral and polar, at codon 486 of the DEAF1 protein (p.Ala486Thr). This variant is not present in population databases (gnomAD no frequency). This variant has not been reported in the literature in individuals affected with DEAF1-related conditions. Algorithms developed to predict the effect of missense changes on protein structure and function are either unavailable or do not agree on the potential impact of this missense change (SIFT: "Tolerated"; PolyPhen-2: "Possibly Damaging"; Align-GVGD: "Class C0"). In summary, the available evidence is currently insufficient to determine the role of this variant in disease. Therefore, it has been classified as a Variant of Uncertain Significance.